The following is an entry in ClinVar:

ClinVar aggregate classification (germline): Uncertain significance. Review status: criteria provided, multiple submitters, no conflicts (2 of 4 stars). 2 submissions from 2 submitters: Uncertain significance (2). Last evaluated 2025-03-29.

Conditions:
Hereditary cancer-predisposing syndrome. Also called: Hereditary Cancer Syndrome; Hereditary neoplastic syndrome; Neoplastic Syndromes, Hereditary; Tumor predisposition. Identifiers: Orphanet 140162, MedGen C0027672, MeSH D009386, MONDO:0015356.
Multiple endocrine neoplasia, type 2 (MEN2). Identifiers: Orphanet 653, MedGen C4048306, MONDO:0019003. Disease mechanism: gain of function.

Allele frequency attached by ClinVar (database versions not stated): gnomAD exomes below 0.00001; ExAC 0.00001.
gnomAD v4.1: 2 of 1,614,108 alleles (0.00012%); highest among the groups gnomAD compares: Non-Finnish European, 0.00017%; no homozygotes.

Submissions (2):

Labcorp Genetics (formerly Invitae), Labcorp
Classification: Uncertain significance for Multiple endocrine neoplasia, type 2. Last evaluated: 2025-03-29. Review status: criteria provided, single submitter. Criteria: Invitae Variant Classification Sherloc (09022015). Collection method: clinical testing. Allele origin: germline.
Comment: This sequence change replaces threonine, which is neutral and polar, with serine, which is neutral and polar, at codon 562 of the RET protein (p.Thr562Ser). This variant is present in population databases (rs759342879, gnomAD 0.0009%). This variant has not been reported in the literature in individuals affected with RET-related conditions. ClinVar contains an entry for this variant (Variation ID: 1448643). An algorithm developed to predict the effect of missense changes on protein structure and function (PolyPhen-2) suggests that this variant is likely to be tolerated. In summary, the available evidence is currently insufficient to determine the role of this variant in disease. Therefore, it has been classified as a Variant of Uncertain Significance.

Ambry Genetics
Classification: Uncertain significance for Hereditary cancer-predisposing syndrome. Last evaluated: 2024-03-08. Review status: criteria provided, single submitter. Criteria: Ambry Variant Classification Scheme 2023. Collection method: clinical testing. Allele origin: germline.
Comment: The p.T562S variant (also known as c.1684A>T), located in coding exon 9 of the RET gene, results from an A to T substitution at nucleotide position 1684. The threonine at codon 562 is replaced by serine, an amino acid with similar properties. This amino acid position is not well conserved in available vertebrate species. In addition, the in silico prediction for this alteration is inconclusive. Based on the available evidence, the clinical significance of this alteration remains unclear.

NM_020975.6(RET):c.1684A>T (p.Thr562Ser)

Gene: RET (ret proto-oncogene; plus strand). Cytogenetic location: 10q11.21.
Variant type: single nucleotide variant.
Coding change: c.1684A>T on transcript NM_020975.6 (MANE Select); coding-DNA position 1684, A replaced by T.
Protein change: p.Thr562Ser; replaces threonine 562 with serine.
Molecular consequence: missense variant.
Genome position (GRCh38, 1-based): chr10:43,112,888, A>T. VCF-style: chr10-43112888-A-T. GRCh37 (hg19) VCF-style: chr10-43608336-A-T.
Other names: c.1684A>T, p.Thr562Ser (NM_000323.2, NM_001406743.1, NM_001406744.1 and 6 more transcripts); c.922A>T, p.Thr308Ser (NM_001355216.2); c.1555A>T, p.Thr519Ser (NM_001406761.1, NM_001406762.1, NM_001406764.1 and 1 more transcripts); c.1396A>T, p.Thr466Ser (NM_001406766.1, NM_001406767.1, NM_001406770.1); c.1288A>T, p.Thr430Ser (NM_001406769.1, NM_001406772.1); c.1246A>T, p.Thr416Ser (NM_001406771.1, NM_001406773.1); c.1159A>T, p.Thr387Ser (NM_001406774.1); c.958A>T, p.Thr320Ser (NM_001406775.1, NM_001406776.1, NM_001406777.1 and 1 more transcripts); and 5 more; short protein forms T562S, T308S, T167S, T387S, T430S, T320S, T519S, T79S.
Identifiers: ClinVar variation 1448643 (VCV001448643.10), dbSNP rs759342879, ClinGen allele CA035065.